The following is an entry in ClinVar:

NM_001567.4(INPPL1):c.683G>T (p.Gly228Val)

Gene: INPPL1 (inositol polyphosphate phosphatase like 1; plus strand). Cytogenetic location: 11q13.4.
Variant type: single nucleotide variant.
Coding change: c.683G>T on transcript NM_001567.4 (MANE Select); coding-DNA position 683, G replaced by T.
Protein change: p.Gly228Val; replaces glycine 228 with valine.
Molecular consequence: missense variant.
Genome position (GRCh38, 1-based): chr11:72,229,488, G>T. VCF-style: chr11-72229488-G-T. GRCh37 (hg19) VCF-style: chr11-71940532-G-T.
Other names: c.749G>T, p.Gly250Val (NM_001440434.1); c.683G>T, p.Gly228Val (NM_001440435.1, NM_001440436.1, NM_001440438.1); c.542G>T, p.Gly181Val (NM_001440437.1); short protein forms G250V, G181V, G228V.
Identifiers: ClinVar variation 4714509 (VCV004714509.1).

ClinVar aggregate classification (germline): Uncertain significance (1 of 4 stars; one submission).

gnomAD v4.1: 1 of 1,614,138 alleles (0.000062%); highest among the groups gnomAD compares: Non-Finnish European, 0.000085%; no homozygotes.

Submission:

Labcorp Genetics (formerly Invitae), Labcorp
Classification: Uncertain significance. Last evaluated: 2025-07-05. Review status: criteria provided, single submitter. Criteria: Invitae Variant Classification Sherloc (09022015). Collection method: clinical testing. Allele origin: germline.
Comment: This sequence change replaces glycine, which is neutral and non-polar, with valine, which is neutral and non-polar, at codon 228 of the INPPL1 protein (p.Gly228Val). This variant is present in population databases (rs773871418, gnomAD 0.0009%). This variant has not been reported in the literature in individuals affected with INPPL1-related conditions. An algorithm developed to predict the effect of missense changes on protein structure and function (PolyPhen-2) suggests that this variant is likely to be disruptive. In summary, the available evidence is currently insufficient to determine the role of this variant in disease. Therefore, it has been classified as a Variant of Uncertain Significance.